The following is an entry in ClinVar:

NM_006031.6(PCNT):c.2983G>A (p.Ala995Thr)

Gene: PCNT (pericentrin; plus strand). Cytogenetic location: 21q22.3.
Variant type: single nucleotide variant.
Coding change: c.2983G>A on transcript NM_006031.6 (MANE Select); coding-DNA position 2983, G replaced by A.
Protein change: p.Ala995Thr; replaces alanine 995 with threonine.
Molecular consequence: missense variant.
Genome position (GRCh38, 1-based): chr21:46,366,957, G>A. VCF-style: chr21-46366957-G-A. GRCh37 (hg19) VCF-style: chr21-47786872-G-A.
Other names: c.2629G>A, p.Ala877Thr (NM_001315529.2); short protein forms A877T, A995T.
Identifiers: ClinVar variation 4995702 (VCV004995702.1).

ClinVar aggregate classification (germline): Uncertain significance (1 of 4 stars; one submission).

Conditions:
PCNT-related disorder. Also called: PCNT-related condition.

Submission:

PreventionGenetics, part of Exact Sciences
Classification: Uncertain significance for PCNT-related condition. Last evaluated: 2026-08-11. Review status: criteria provided, single submitter. Criteria: ACMG Guidelines, 2015. Collection method: clinical testing. Allele origin: germline.
Comment: The PCNT c.2983G>A variant is predicted to result in the amino acid substitution p.Ala995Thr. To our knowledge, this variant has not been reported in the literature or in a large population database (gnomAD), indicating this variant is rare. At this time, the clinical significance of this variant is uncertain due to the absence of conclusive functional and genetic evidence.